The following is an entry in ClinVar:

ClinVar aggregate classification (germline): Uncertain significance (1 of 4 stars; one submission).

Conditions:
Hereditary cancer-predisposing syndrome. Also called: Neoplastic Syndromes, Hereditary; Tumor predisposition; Hereditary Cancer Syndrome; Hereditary neoplastic syndrome. Identifiers: Orphanet 140162, MedGen C0027672, MeSH D009386, MONDO:0015356.

Submission:

Labcorp Genetics (formerly Invitae), Labcorp
Classification: Uncertain significance for Hereditary cancer-predisposing syndrome. Last evaluated: 2019-06-28. Review status: criteria provided, single submitter. Criteria: Invitae Variant Classification Sherloc (09022015). Collection method: clinical testing. Allele origin: germline.
Comment: In summary, this variant is a novel missense change with uncertain impact on protein function. It has been classified as a Variant of Uncertain Significance. Algorithms developed to predict the effect of sequence changes on RNA splicing suggest that this variant may alter RNA splicing, but this prediction has not been confirmed by published transcriptional studies. Algorithms developed to predict the effect of missense changes on protein structure and function do not agree on the potential impact of this missense change (SIFT: "Tolerated"; PolyPhen-2: "Probably Damaging"; Align-GVGD: "Class C0"). This variant is not present in population databases (ExAC no frequency) and has not been reported in the literature in individuals with a RAD50-related disease. This sequence change replaces serine with glycine at codon 167 of the RAD50 protein (p.Ser167Gly). The serine residue is highly conserved and there is a small physicochemical difference between serine and glycine.

NM_005732.4(RAD50):c.499A>G (p.Ser167Gly)

Gene: RAD50 (RAD50 double strand break repair protein; plus strand). Cytogenetic location: 5q31.1.
Variant type: single nucleotide variant.
Coding change: c.499A>G on transcript NM_005732.4 (MANE Select); coding-DNA position 499, A replaced by G.
Protein change: p.Ser167Gly; replaces serine 167 with glycine.
Molecular consequence: missense variant.
Genome position (GRCh38, 1-based): chr5:132,579,450, A>G. VCF-style: chr5-132579450-A-G. GRCh37 (hg19) VCF-style: chr5-131915142-A-G.
Other names: short protein forms S167G.
Identifiers: ClinVar variation 457476 (VCV000457476.11), dbSNP rs1554097779, ClinGen allele CA360934672.
Genomic context (GRCh38, chr5:132,579,450, plus strand): 5'-TCCAAGGCTGTGCTAAATAATGTCATTTTCTGTCATCAAGAAGATTCTAATTGGCCTTTA[A>G]GTGAAGGAAAGGCTTTGAAGCAAAAGTTTGATGAGATTTTTTCAGCAACAAGGTTTGTAA-3'
Protein context (NP_005723.2, residues 157-177): CHQEDSNWPL[Ser167Gly]EGKALKQKFD